The following is an entry in ClinVar:

ClinVar aggregate classification (germline): Pathogenic (1 of 4 stars; one submission).

Submission:

Labcorp Genetics (formerly Invitae), Labcorp
Classification: Pathogenic. Last evaluated: 2024-01-24. Review status: criteria provided, single submitter. Criteria: Invitae Variant Classification Sherloc (09022015). Collection method: clinical testing. Allele origin: germline.
Comment: This sequence change creates a premature translational stop signal (p.Tyr118*) in the POLH gene. It is expected to result in an absent or disrupted protein product. Loss-of-function variants in POLH are known to be pathogenic (PMID: 11773631, 24130121, 25256075). This variant is not present in population databases (gnomAD no frequency). This premature translational stop signal has been observed in individual(s) with clinical features of xeroderma pigmentosum (PMID: 27607234, 31178899). This variant is also known as p.Y118_V119delinsX. For these reasons, this variant has been classified as Pathogenic.

Literature cited by the submitters: PubMed 11773631; PubMed 24130121; PubMed 25256075; PubMed 27607234; PubMed 31178899.

NM_006502.3(POLH):c.353dup (p.Tyr118Ter)

Gene: POLH (DNA polymerase eta; plus strand). Cytogenetic location: 6p21.1.
Variant type: Duplication.
Coding change: c.353dup on transcript NM_006502.3 (MANE Select); coding-DNA position 353, one base duplicated (A; older notation c.353dupA).
Protein change: p.Tyr118Ter; replaces tyrosine 118 with a stop codon.
Molecular consequence: nonsense. On other transcripts: intron variant (1).
Genome position (GRCh38, 1-based): chr6:43,587,352, A duplicated. VCF-style (leftmost placement, unchanged base first): chr6-43587351-T-TA. GRCh37 (hg19) VCF-style: chr6-43555088-T-TA.
Other names: c.353dup, p.Tyr118Ter (NM_001291970.2); c.118+4211dup (NM_001291969.2); short protein forms Y118*.
Identifiers: ClinVar variation 2734866 (VCV002734866.3), dbSNP rs2532368252, ClinGen allele CA2695206577.